The following is an entry in ClinVar:

NM_001035.3(RYR2):c.13303A>G (p.Thr4435Ala)

Gene: RYR2 (ryanodine receptor 2; plus strand). Cytogenetic location: 1q43.
Variant type: single nucleotide variant.
Coding change: c.13303A>G on transcript NM_001035.3 (MANE Select); coding-DNA position 13303, A replaced by G.
Protein change: p.Thr4435Ala; replaces threonine 4435 with alanine.
Molecular consequence: missense variant.
Genome position (GRCh38, 1-based): chr1:237,786,011, A>G. VCF-style: chr1-237786011-A-G. GRCh37 (hg19) VCF-style: chr1-237949311-A-G.
Other names: c.13303A>G, p.Thr4435Ala (LRG_402t1); short protein forms T4435A.
Identifiers: ClinVar variation 580805 (VCV000580805.21), dbSNP rs374019555, ClinGen allele CA085334.
Genomic context (GRCh38, chr1:237,786,011, plus strand): 5'-CCCATTGACTCATTCAAGGAACAGAAGGCAAAAGAAGAAGAAAAGGAAGAAAAAGAAGAA[A>G]CCAAATCTGAACCTGAAAAAGCCGAGTATGTATAGTTTGCATATACTTTTCCTTCGTTTC-3'
Protein context (NP_001026.2, residues 4425-4445): KEEEKEEKEE[Thr4435Ala]KSEPEKAEGE

ClinVar aggregate classification (germline): Conflicting classifications of pathogenicity. Review status: criteria provided, conflicting classifications (1 of 4 stars). 4 submissions from 4 submitters: Uncertain significance (2); Likely benign (2). Last evaluated 2026-10-26.

Conditions:
Catecholaminergic polymorphic ventricular tachycardia 1. Also called: VENTRICULAR TACHYCARDIA, CATECHOLAMINERGIC POLYMORPHIC, 1, WITH OR WITHOUT ATRIAL DYSFUNCTION AND/OR DILATED CARDIOMYOPATHY; RYR2-Related Catecholaminergic Polymorphic Ventricular Tachycardia; VENTRICULAR TACHYCARDIA, STRESS-INDUCED POLYMORPHIC 1. Identifiers: Orphanet 3286, MedGen C1631597, MONDO:0011484, OMIM 604772.
Cardiomyopathy (CMYO). Also called: Cardiomyopathies. Identifiers: Orphanet 167848, MedGen C0878544, MONDO:0004994, HP:0001638. Inheritance: Various modes of inheritance.
Cardiovascular phenotype. Identifiers: MedGen CN230736.

Allele frequency attached by ClinVar (database versions not stated): gnomAD 0.00020 and 0.00018; TOPMed 0.00026; ESP Exome Variant Server 0.00025; ExAC 0.00002; gnomAD exomes 0.00004 and 0.00002.
gnomAD v4.1: 53 of 1,590,676 alleles (0.0033%); highest among the groups gnomAD compares: African/African-American, 0.066%; no homozygotes.

Submissions (4):

GeneDx
Classification: Uncertain significance. Last evaluated: 2026-10-26. Review status: criteria provided, single submitter. Criteria: GeneDx Variant Classification Process June 2021. Collection method: clinical testing. Allele origin: germline.
Comment: Has not been previously published as pathogenic or benign to our knowledge; In silico analysis suggests that this missense variant does not alter protein structure/function; Located in one of the three hot-spot regions of the RYR2 gene, where the majority of pathogenic missense variants occur (PMID: 19926015); This variant is associated with the following publications: (PMID: 19926015)

Labcorp Genetics (formerly Invitae), Labcorp
Classification: Likely benign for Catecholaminergic polymorphic ventricular tachycardia 1. Last evaluated: 2026-01-28. Review status: criteria provided, single submitter. Criteria: Invitae Variant Classification Sherloc (09022015). Collection method: clinical testing. Allele origin: germline.

Ambry Genetics
Classification: Uncertain significance for Cardiovascular phenotype. Last evaluated: 2025-06-13. Review status: criteria provided, single submitter. Criteria: Ambry Variant Classification Scheme 2023. Collection method: clinical testing. Allele origin: germline.
Comment: The p.T4435A variant (also known as c.13303A>G), located in coding exon 91 of the RYR2 gene, results from an A to G substitution at nucleotide position 13303. The threonine at codon 4435 is replaced by alanine, an amino acid with similar properties. This amino acid position is not well conserved in available vertebrate species. In addition, this alteration is predicted to be tolerated by in silico analysis. Since supporting evidence is limited at this time, the clinical significance of this alteration remains unclear.

Color Diagnostics, LLC DBA Color Health
Classification: Likely benign for Cardiomyopathy. Last evaluated: 2020-01-22. Review status: criteria provided, single submitter. Criteria: ACMG Guidelines, 2015. Collection method: clinical testing. Allele origin: germline.